The following continues an entry in ClinVar:

NM_007294.4(BRCA1):c.4035del (p.Glu1346fs)

ClinVar aggregate classification (germline): Pathogenic. Pathogenic (1).

Submissions 45 to 48 of 48:

Sharing Clinical Reports Project (SCRP)
Classification: Pathogenic for Breast-ovarian cancer, familial 1. Last evaluated: 2013-04-19. Review status: no assertion criteria provided. Collection method: clinical testing. Allele origin: germline. Not counted in ClinVar's aggregate classification.

Breast Cancer Information Core (BIC) (BRCA1)
Classification: Pathogenic for Breast-ovarian cancer, familial 1. Last evaluated: 2002-05-29. Review status: no assertion criteria provided. Collection method: clinical testing. Allele origin: germline, unknown. Affected: yes. Observed: 54 variant alleles. Not counted in ClinVar's aggregate classification.

OMIM
Classification: Pathogenic for BREAST-OVARIAN CANCER, FAMILIAL, SUSCEPTIBILITY TO, 1. Last evaluated: 1996-03-01. Review status: no assertion criteria provided. Collection method: literature only. Allele origin: germline. Not counted in ClinVar's aggregate classification.

Department of Pathology and Laboratory Medicine, Sinai Health System
Classification: Pathogenic for Breast-ovarian cancer, familial, susceptibility to, 1. Review status: no assertion criteria provided. Collection method: clinical testing. Allele origin: unknown. Affected: yes. Observed: 3 variant alleles. Study: The Canadian Open Genetics Repository (COGR). Not counted in ClinVar's aggregate classification.
Comment: The p.Glu1346LysfsX20 deletion variant was identified in 176 of 22934 proband chromosomes (frequency: 0.008) from individuals with prostate cancer, breast cancer, ovarian cancer, or other gynaecological tumours, and was present in 3 of 11336 control chromosomes (frequency: 0.0003) (Bayraktar 2012, Bogdanova 2010, Cybulski 2013, Elsakov 2010, Gayther 1996 8644703, Jakubowska 2008, Plakhins 2011, Tikhomirova 2005, Uglanitsa 2010). The variant is described in the literature as a founder mutation in Slavic and Baltic countries, including Poland, Belarus, Latvia, Russia, and Lithuania (Bogdanova 2010, Cybulski 2013, Elsakov 2010, Ozolina 2009, Uglanitsa 2010). The variant was also identified in dbSNP (ID: rs80357711) â€šÃ„ÃºWith pathogenic alleleâ€šÃ„Ã¹, HGMD, UMD (2X as a causal variant), and the BIC database (51X as a variant with clinical importance). The p.Glu1346LysfsX20 deletion variant is predicted to cause a frameshift, which alters the protein's amino acid sequence beginning at codon 1346 and leads to a premature stop codon 20 codons downstream. This alteration is then predicted to result in a truncated or absent protein and loss of function. Loss of function variants of the BRCA1 gene are an established mechanism of disease in hereditary breast and ovarian cancer and is the type of variant expected to cause the disorder. In summary, based on the above information, this variant meets our laboratoryâ€šÃ„Ã´s criteria to be classified as pathogenic.

Literature cited by the submitters: PubMed 20104584 (cited by Labcorp Genetics (formerly Invitae), Labcorp); PubMed 15591272 (cited by Labcorp Genetics (formerly Invitae), Labcorp); PubMed 20345474 (cited by 6 submitters); PubMed 20569256 (cited by 6 submitters); PubMed 22032251 (cited by 6 submitters); PubMed 23199084 (cited by Labcorp Genetics (formerly Invitae), Labcorp and Center for Genomic Medicine, Rigshospitalet, Copenhagen University Hospital); PubMed 23274591 (cited by 5 submitters); PubMed 24770866 (cited by Color Diagnostics, LLC DBA Color Health and All of Us Research Program, National Institutes of Health); PubMed 29785153 (cited by 4 submitters); PubMed 30040829 (cited by 3 submitters); PubMed 31853058 (cited by Color Diagnostics, LLC DBA Color Health); PubMed 33471991 (cited by 3 submitters); PubMed 40413188 (cited by Color Diagnostics, LLC DBA Color Health); PubMed 15146557 (cited by OLLIN Analises Genomicas, OLLIN and Women's Health and Genetics/Laboratory Corporation of America, LabCorp); PubMed 39142283 (cited by OLLIN Analises Genomicas, OLLIN); PubMed 24504028 (cited by 4 submitters); PubMed 28831036 (cited by 3 submitters); PubMed 29339979 (cited by Ambry Genetics and Quest Diagnostics Nichols Institute San Juan Capistrano); PubMed 29446198 (cited by 3 submitters); PubMed 29492181 (cited by Ambry Genetics and Quest Diagnostics Nichols Institute San Juan Capistrano); PubMed 29684080 (cited by Ambry Genetics and Quest Diagnostics Nichols Institute San Juan Capistrano); PubMed 20507347 (cited by 3 submitters); PubMed 8644703 (cited by 4 submitters); PubMed 23149842 (cited by Quest Diagnostics Nichols Institute San Juan Capistrano and Counsyl); PubMed 22009639 (cited by Quest Diagnostics Nichols Institute San Juan Capistrano and Counsyl); PubMed 26681312 (cited by Quest Diagnostics Nichols Institute San Juan Capistrano); PubMed 26689913 (cited by Quest Diagnostics Nichols Institute San Juan Capistrano); PubMed 29625052 (cited by Quest Diagnostics Nichols Institute San Juan Capistrano); PubMed 30322717 (cited by Quest Diagnostics Nichols Institute San Juan Capistrano); PubMed 30720243 (cited by Quest Diagnostics Nichols Institute San Juan Capistrano); PubMed 31159747 (cited by Quest Diagnostics Nichols Institute San Juan Capistrano); PubMed 26295337 (cited by Quest Diagnostics Nichols Institute San Juan Capistrano); PubMed 24797986 (cited by Laboratory for Molecular Medicine, Mass General Brigham Personalized Medicine); PubMed 32295079 (cited by CZECANCA consortium).